The following is an entry in ClinVar:

NM_000540.3(RYR1):c.9867C>T (p.Pro3289=)

Gene: RYR1 (ryanodine receptor 1; plus strand). Cytogenetic location: 19q13.2.
Variant type: single nucleotide variant.
Coding change: c.9867C>T on transcript NM_000540.3 (MANE Select); coding-DNA position 9867, C replaced by T.
Protein change: p.Pro3289=; no amino-acid change (proline 3289 retained).
Molecular consequence: synonymous variant.
Genome position (GRCh38, 1-based): chr19:38,517,540, C>T. VCF-style: chr19-38517540-C-T. GRCh37 (hg19) VCF-style: chr19-39008180-C-T.
Other names: c.9867C>T, p.Pro3289= (NM_001042723.2).
Identifiers: ClinVar variation 759895 (VCV000759895.13), dbSNP rs774464442, ClinGen allele CA074261.

ClinVar aggregate classification (germline): Likely benign. Review status: criteria provided, multiple submitters, no conflicts (2 of 4 stars). 4 submissions from 4 submitters: Likely benign (3). 1 of the submissions does not count toward it. Last evaluated 2024-03-06.

Conditions:
RYR1-related disorder. Also called: RYR1-related condition; RYR1-related disorders. Identifiers: MedGen CN239331.
Malignant hyperthermia, susceptibility to, 1 (MHS1). Also called: Malignant hyperthermia suceptibility 1; RYR1-Related Malignant Hyperthermia Susceptibility; Anesthesia related hyperthermia; Malignant hyperpyrexia; Fulminating hyperpyrexia; Pharmacogenic myopathy. Identifiers: Orphanet 423, MedGen C2930980, MONDO:0007783, OMIM 145600.

Allele frequency attached by ClinVar (database versions not stated): gnomAD 0.00001 and 0.00003; TOPMed 0.00004.
gnomAD v4.1: 50 of 1,613,746 alleles (0.0031%); highest among the groups gnomAD compares: East Asian, 0.06%; no homozygotes.

Submissions (4):

Labcorp Genetics (formerly Invitae), Labcorp
Classification: Likely benign for RYR1-related disorder. Last evaluated: 2024-03-06. Review status: criteria provided, single submitter. Criteria: Invitae Variant Classification Sherloc (09022015). Collection method: clinical testing. Allele origin: germline.

All of Us Research Program, National Institutes of Health
Classification: Likely benign for Malignant hyperthermia, susceptibility to, 1. Last evaluated: 2024-02-05. Review status: criteria provided, single submitter. Criteria: ACMG Guidelines, 2015. Collection method: clinical testing. Allele origin: germline. Inheritance: Autosomal dominant inheritance. Observed: 4 variant alleles, 4 heterozygotes.
Comment: This study involves interpretation of variants in research participants for the purpose of population health screening. Participant phenotype was not available at the time of variant classification. Additional details can be found in publication PMID: 35346344, PMCID: PMC8962531

Color Diagnostics, LLC DBA Color Health
Classification: Likely benign for Malignant hyperthermia, susceptibility to, 1. Last evaluated: 2022-11-06. Review status: criteria provided, single submitter. Criteria: ACMG Guidelines, 2015. Collection method: clinical testing. Allele origin: germline.

PreventionGenetics, part of Exact Sciences
Classification: Likely benign for RYR1-related condition. Last evaluated: 2019-03-28. Review status: no assertion criteria provided. Collection method: clinical testing. Allele origin: germline. Not counted in ClinVar's aggregate classification.
Comment: This variant is classified as likely benign based on ACMG/AMP sequence variant interpretation guidelines (Richards et al. 2015 PMID: 25741868, with internal and published modifications).